The following is an entry in ClinVar:

ClinVar aggregate classification (germline): Likely benign (1 of 4 stars; one submission).

Allele frequency attached by ClinVar (database versions not stated): gnomAD exomes below 0.00001.
gnomAD v4.1: 1 of 1,551,724 alleles (0.000064%); highest among the groups gnomAD compares: Non-Finnish European, 0.000087%; no homozygotes.

Submission:

CeGaT Center for Human Genetics Tuebingen
Classification: Likely benign. Last evaluated: 2024-01-01. Review status: criteria provided, single submitter. Criteria: CeGaT Center For Human Genetics Tuebingen Variant Classification Criteria Version 2. Collection method: clinical testing. Allele origin: germline. Affected: yes. Observed: 1 variant allele.
Comment: FAM149B1: PM2:Supporting, BP4, BP7

NM_173348.2(FAM149B1):c.1626A>G (p.Ser542=)

Genes: DNAJC9 (DnaJ heat shock protein family (Hsp40) member C9; minus strand), FAM149B1 (family with sequence similarity 149 member B1; plus strand). Cytogenetic location: 10q22.2.
Variant type: single nucleotide variant.
Coding change: c.1626A>G on transcript NM_173348.2 (MANE Select); coding-DNA position 1626, A replaced by G.
Protein change: p.Ser542=; no amino-acid change (serine 542 retained).
Molecular consequence: synonymous variant.
Genome position (GRCh38, 1-based): chr10:73,239,335, A>G. VCF-style: chr10-73239335-A-G. GRCh37 (hg19) VCF-style: chr10-74999093-A-G.
Identifiers: ClinVar variation 3025492 (VCV003025492.22), dbSNP rs2493323132, ClinGen allele CA470108865.